The following is an entry in ClinVar:

ClinVar aggregate classification (germline): Pathogenic (1 of 4 stars; one submission).

Conditions:
Hereditary cancer-predisposing syndrome. Also called: Neoplastic Syndromes, Hereditary; Tumor predisposition; Hereditary neoplastic syndrome; Hereditary Cancer Syndrome. Identifiers: Orphanet 140162, MedGen C0027672, MeSH D009386, MONDO:0015356.

Submission:

Ambry Genetics
Classification: Pathogenic for Hereditary cancer-predisposing syndrome. Last evaluated: 2018-05-17. Review status: criteria provided, single submitter. Criteria: Ambry Variant Classification Scheme 2023. Collection method: clinical testing. Allele origin: germline.
Comment: The c.824_825delCA pathogenic mutation, located in coding exon 7 of the BMPR1A gene, results from a deletion of two nucleotides at nucleotide positions 824 to 825, causing a translational frameshift with a predicted alternate stop codon (p.T275Rfs*11). This alteration is expected to result in loss of function by premature protein truncation or nonsense-mediated mRNA decay. As such, this alteration is interpreted as a disease-causing mutation.

NM_004329.3(BMPR1A):c.824_825del (p.Thr275fs)

Gene: BMPR1A (bone morphogenetic protein receptor type 1A; plus strand). Cytogenetic location: 10q23.2.
Variant type: Deletion.
Coding change: c.824_825del on transcript NM_004329.3 (MANE Select); coding-DNA positions 824 to 825, 2 bases deleted (CA; older notation c.824_825delCA).
Protein change: p.Thr275fs; shifts the reading frame from threonine 275.
Molecular consequence: frameshift variant.
Genome position (GRCh38, 1-based): chr10:86,917,282-86,917,283, CA deleted; deleting any 2 consecutive bases within chr10:86,917,281-86,917,283 gives the same sequence; the c. name uses the placement nearest the transcript's 3' end. VCF-style (leftmost placement, unchanged base first): chr10-86917280-AAC-A. GRCh37 (hg19) VCF-style: chr10-88677037-AAC-A.
Other names: short protein forms T275fs.
Identifiers: ClinVar variation 827529 (VCV000827529.4), dbSNP rs1589290779, ClinGen allele CA915947543.